The following is an entry in ClinVar:

NM_000179.3(MSH6):c.3949_3970dup (p.Glu1324delinsAlaTer)

Gene: MSH6 (mutS homolog 6; plus strand). Cytogenetic location: 2p16.3.
Variant type: Duplication.
Coding change: c.3949_3970dup on transcript NM_000179.3 (MANE Select); coding-DNA positions 3949 to 3970, 22 bases duplicated (CATAGAAAAGCAAGAGAATTTG).
Protein change: p.Glu1324delinsAlaTer.
Molecular consequence: nonsense.
Genome position (GRCh38, 1-based): chr2:47,806,599-47,806,620, CATAGAAAAGCAAGAGAATTTG duplicated. VCF-style (leftmost placement, unchanged base first): chr2-47806598-A-ACATAGAAAAGCAAGAGAATTTG. GRCh37 (hg19) VCF-style: chr2-48033737-A-ACATAGAAAAGCAAGAGAATTTG.
Other names: c.3559_3580dup, p.Glu1194delinsAlaTer (NM_001281492.2); c.3043_3064dup, p.Glu1022delinsAlaTer (NM_001281493.2, NM_001281494.2).
Identifiers: ClinVar variation 1375936 (VCV001375936.8), dbSNP rs2104564057, ClinGen allele CA2573134795.

ClinVar aggregate classification (germline): Pathogenic (1 of 4 stars; one submission).

Conditions:
Hereditary nonpolyposis colorectal neoplasms. Identifiers: MedGen C0009405, MeSH D003123.

Submission:

Labcorp Genetics (formerly Invitae), Labcorp
Classification: Pathogenic for Hereditary nonpolyposis colorectal neoplasms. Last evaluated: 2021-06-19. Review status: criteria provided, single submitter. Criteria: Invitae Variant Classification Sherloc (09022015). Collection method: clinical testing. Allele origin: germline.
Comment: For these reasons, this variant has been classified as Pathogenic. This variant disrupts the C-terminus of the MSH6 protein. Other variant(s) that disrupt this region (p.Arg1331*) have been determined to be pathogenic (PMID: 21642682, 18301448, 16034045, 21056691, 20587412, 27601186, 16418736, 26318770). This suggests that variants that disrupt this region of the protein are likely to be causative of disease. This variant has not been reported in the literature in individuals with MSH6-related conditions. This variant is not present in population databases (ExAC no frequency). This sequence change creates a premature translational stop signal (p.Glu1324Alafs*2) in the MSH6 gene. While this is not anticipated to result in nonsense mediated decay, it is expected to disrupt the last 37 amino acid(s) of the MSH6 protein.

Literature cited by the submitters: PubMed 21642682; PubMed 18301448; PubMed 16034045; PubMed 21056691; PubMed 20587412; PubMed 27601186; PubMed 16418736; PubMed 26318770.